The following is an entry in ClinVar:

ClinVar aggregate classification (germline): Benign. Review status: criteria provided, multiple submitters, no conflicts (2 of 4 stars). 3 submissions from 3 submitters: Benign (2). 1 of the submissions does not count toward it. Last evaluated 2025-12-23.

Conditions:
ATP2B4-related disorder. Also called: ATP2B4-related condition.

Allele frequency attached by ClinVar (database versions not stated): gnomAD exomes 0.00158 and 0.00404; ExAC 0.00495; 1000 Genomes Project 0.01558; gnomAD 0.01589 and 0.01699; 1000 Genomes Project 30x 0.01655; TOPMed 0.01684; ESP Exome Variant Server 0.01807.

Submissions (3):

Labcorp Genetics (formerly Invitae), Labcorp
Classification: Benign. Last evaluated: 2025-12-23. Review status: criteria provided, single submitter. Criteria: Invitae Variant Classification Sherloc (09022015). Collection method: clinical testing. Allele origin: germline.

Breakthrough Genomics
Classification: Benign. Review status: criteria provided, single submitter. Criteria: ACMG Guidelines, 2015. Collection method: not provided. Allele origin: germline. Inheritance: Unknown mechanism. Affected: yes.

PreventionGenetics, part of Exact Sciences
Classification: Benign for ATP2B4-related condition. Last evaluated: 2019-08-07. Review status: no assertion criteria provided. Collection method: clinical testing. Allele origin: germline. Not counted in ClinVar's aggregate classification.
Comment: This variant is classified as benign based on ACMG/AMP sequence variant interpretation guidelines (Richards et al. 2015 PMID: 25741868, with internal and published modifications).

NM_001684.5(ATP2B4):c.1968T>C (p.Asn656=)

Gene: ATP2B4 (ATPase plasma membrane Ca2+ transporting 4; plus strand). Cytogenetic location: 1q32.1.
Variant type: single nucleotide variant.
Coding change: c.1968T>C on transcript NM_001684.5 (MANE Select); coding-DNA position 1968, T replaced by C.
Protein change: p.Asn656=; no amino-acid change (asparagine 656 retained).
Molecular consequence: synonymous variant.
Genome position (GRCh38, 1-based): chr1:203,711,045, T>C. VCF-style: chr1-203711045-T-C. GRCh37 (hg19) VCF-style: chr1-203680173-T-C.
Other names: c.1968T>C, p.Asn656= (NM_001001396.3, NM_001365783.2, NM_001365784.2).
Identifiers: ClinVar variation 703856 (VCV000703856.14), dbSNP rs75360548, ClinGen allele CA1341739.
Genomic context (GRCh38, chr1:203,711,045, plus strand): 5'-GACTATCTGCATAGCTTACCGGGACTTCGATGACACAGAGCCCTCTTGGGACAATGAGAA[T>C]GAGATCCTCACCGAACTGACCTGTATCGCGGTGGTGGGCATTGAGGACCCTGTGCGCCCA-3'
Protein context (NP_001675.3, residues 646-666): DDTEPSWDNE[Asn656=]EILTELTCIA